The following is an entry in ClinVar:

NM_002880.4(RAF1):c.483T>G (p.Asn161Lys)

Gene: RAF1 (Raf-1 proto-oncogene, serine/threonine kinase; minus strand). Cytogenetic location: 3p25.2.
Variant type: single nucleotide variant.
Coding change: c.483T>G on transcript NM_002880.4 (MANE Select); coding-DNA position 483, T replaced by G.
Protein change: p.Asn161Lys; replaces asparagine 161 with lysine.
Molecular consequence: missense variant. On other transcripts: non-coding transcript variant (3).
Genome position (GRCh38, 1-based): chr3:12,608,864, A>C on the plus strand (T>G on the coding strand, the complement: RAF1 is on the minus strand). VCF-style: chr3-12608864-A-C. GRCh37 (hg19) VCF-style: chr3-12650363-A-C.
Other names: c.483T>G, p.Asn161Lys (NM_001354689.3, NM_001354690.3, NM_001354693.3); c.240T>G, p.Asn80Lys (NM_001354691.3, NM_001354692.3, NM_001354694.3 and 1 more transcripts); short protein forms N161K, N80K.
Identifiers: ClinVar variation 40593 (VCV000040593.2), dbSNP rs1057517813, ClinGen allele CA16040603.
Genomic context (GRCh38, chr3:12,608,864, plus strand): 5'-AGGTACTTTGGTGCTACAGTGCTCATGAAATTTGTAGCCACAAGTCTGACATCGAAATCC[A>C]TTGAGCAGGAATTTCTGACAGATGTCACAGAAGGCAAGCTTCAGGAACGTCTTCCGAGCC-3'
Protein context (NP_002871.1, residues 151-171): FCDICQKFLL[Asn161Lys]GFRCQTCGYK

ClinVar aggregate classification (germline): Likely pathogenic (1 of 4 stars; one submission).

Submission:

GeneDx
Classification: Likely pathogenic. Last evaluated: 2016-08-09. Review status: criteria provided, single submitter. Criteria: GeneDx Variant Classification (06012015). Collection method: clinical testing. Allele origin: germline. Affected: yes.
Comment: The N161K variant- has not been published as a pathogenic variant, nor has it been reported as a benign variant to our knowledge. N161K was not observed in approximately 6500 individuals of European and African American ancestry in the NHLBI Exome Sequencing Project, indicating it is not a common benign variant in these populations. This variant is a semi-conservative amino acid substitution, which may impact secondary protein structure as these residues differ in some properties. N161K occurs at a position that is conserved across species and in silico analysis is inconsistent in its predictions as to whether or not the variant is damaging to the protein structure/function. Therefore, this variant is likely pathogenic; however, the possibility that it is benign cannot be excluded.